The following is an entry in ClinVar:

ClinVar aggregate classification (germline): Uncertain significance (1 of 4 stars; one submission).

Conditions:
Androgen resistance syndrome (AIS). Also called: ANDROGEN RECEPTOR DEFICIENCY; DIHYDROTESTOSTERONE RECEPTOR DEFICIENCY; Androgen insensitivity syndrome; TESTICULAR FEMINIZATION SYNDROME; Androgen insensitivity; Androgen insensitivity syndrome due to coactivator deficiency. Identifiers: Orphanet 754, Orphanet 99429, MedGen C0039585, MONDO:0019154, OMIM 300068. Disease mechanism: loss of function.
Kennedy disease (SMAX1). Also called: SPINAL AND BULBAR MUSCULAR ATROPHY, X-LINKED 1; Spinal and Bulbar Muscular Atrophy; KENNEDY SPINAL AND BULBAR MUSCULAR ATROPHY. Identifiers: Orphanet 481, MedGen C1839259, MONDO:0010735, OMIM 313200.

Submission:

Labcorp Genetics (formerly Invitae), Labcorp
Classification: Uncertain significance for Kennedy disease; Androgen resistance syndrome. Last evaluated: 2017-07-31. Review status: criteria provided, single submitter. Criteria: Invitae Variant Classification Sherloc (09022015). Collection method: clinical testing. Allele origin: germline.
Comment: Algorithms developed to predict the effect of missense changes on protein structure and function do not agree on the potential impact of this missense change (SIFT: "Tolerated"; PolyPhen-2: "Probably Damaging"; Align-GVGD: "Class C0"). In summary, the available evidence is currently insufficient to determine the role of this variant in disease. Therefore, it has been classified as a Variant of Uncertain Significance. This variant has not been reported in the literature in individuals with AR-related disease. This variant is not present in population databases (ExAC no frequency). This sequence change replaces glutamic acid with aspartic acid at codon 707 of the AR protein (p.Glu707Asp). The glutamic acid residue is highly conserved and there is a small physicochemical difference between glutamic acid and aspartic acid.

NM_000044.6(AR):c.2121A>C (p.Glu707Asp)

Gene: AR (androgen receptor; plus strand). Cytogenetic location: Xq12.
Variant type: single nucleotide variant.
Coding change: c.2121A>C on transcript NM_000044.6 (MANE Select); coding-DNA position 2121, A replaced by C.
Protein change: p.Glu707Asp; replaces glutamic acid 707 with aspartic acid.
Molecular consequence: missense variant.
Genome position (GRCh38, 1-based): chrX:67,711,637, A>C. VCF-style: chrX-67711637-A-C. GRCh37 (hg19) VCF-style: chrX-66931479-A-C.
Other names: c.525A>C, p.Glu175Asp (NM_001011645.3); short protein forms E707D, E175D.
Identifiers: ClinVar variation 464792 (VCV000464792.8), dbSNP rs1555995856, ClinGen allele CA413423460.